The following is an entry in ClinVar:

NM_000064.4(C3):c.2603A>C (p.His868Pro)

Gene: C3 (complement C3; minus strand). Cytogenetic location: 19p13.3.
Variant type: single nucleotide variant.
Coding change: c.2603A>C on transcript NM_000064.4 (MANE Select); coding-DNA position 2603, A replaced by C.
Protein change: p.His868Pro; replaces histidine 868 with proline.
Molecular consequence: missense variant.
Genome position (GRCh38, 1-based): chr19:6,697,537, T>G on the plus strand (A>C on the coding strand, the complement: C3 is on the minus strand). VCF-style: chr19-6697537-T-G. GRCh37 (hg19) VCF-style: chr19-6697548-T-G.
Other names: short protein forms H868P.
Identifiers: ClinVar variation 2880080 (VCV002880080.3), dbSNP rs764067174, ClinGen allele CA9129013.

ClinVar aggregate classification (germline): Uncertain significance (1 of 4 stars; one submission).

Allele frequency attached by ClinVar (database versions not stated): gnomAD exomes below 0.00001; ExAC 0.00001.

Submission:

Labcorp Genetics (formerly Invitae), Labcorp
Classification: Uncertain significance. Last evaluated: 2023-03-08. Review status: criteria provided, single submitter. Criteria: Invitae Variant Classification Sherloc (09022015). Collection method: clinical testing. Allele origin: germline.
Comment: This sequence change replaces histidine, which is basic and polar, with proline, which is neutral and non-polar, at codon 868 of the C3 protein (p.His868Pro). This variant is present in population databases (rs764067174, gnomAD 0.002%). This variant has not been reported in the literature in individuals affected with C3-related conditions. Advanced modeling of protein sequence and biophysical properties (such as structural, functional, and spatial information, amino acid conservation, physicochemical variation, residue mobility, and thermodynamic stability) performed at Invitae indicates that this missense variant is not expected to disrupt C3 protein function. In summary, the available evidence is currently insufficient to determine the role of this variant in disease. Therefore, it has been classified as a Variant of Uncertain Significance.